The following is an entry in ClinVar:

ClinVar aggregate classification (germline): Uncertain significance (1 of 4 stars; one submission).

Conditions:
Cutis laxa, autosomal dominant 3 (ADCL3). Identifiers: Orphanet 90348, MedGen C4225268, MONDO:0014706, OMIM 616603.
Autosomal dominant spastic paraplegia type 9. Identifiers: MedGen C1832669, MONDO:0015091.
de Barsy syndrome. Also called: Cutis laxa-corneal clouding-oligophrenia syndrome. Identifiers: Orphanet 2962, MedGen C0268354, MONDO:0017569.

Submission:

Labcorp Genetics (formerly Invitae), Labcorp
Classification: Uncertain significance for Autosomal dominant spastic paraplegia type 9; de Barsy syndrome; Cutis laxa, autosomal dominant 3. Last evaluated: 2024-11-16. Review status: criteria provided, single submitter. Criteria: Invitae Variant Classification Sherloc (09022015). Collection method: clinical testing. Allele origin: germline.
Comment: This sequence change replaces leucine, which is neutral and non-polar, with valine, which is neutral and non-polar, at codon 207 of the ALDH18A1 protein (p.Leu207Val). This variant is not present in population databases (gnomAD no frequency). This variant has not been reported in the literature in individuals affected with ALDH18A1-related conditions. Invitae Evidence Modeling of protein sequence and biophysical properties (such as structural, functional, and spatial information, amino acid conservation, physicochemical variation, residue mobility, and thermodynamic stability) indicates that this missense variant is not expected to disrupt ALDH18A1 protein function with a negative predictive value of 95%. In summary, the available evidence is currently insufficient to determine the role of this variant in disease. Therefore, it has been classified as a Variant of Uncertain Significance.

NM_002860.4(ALDH18A1):c.619C>G (p.Leu207Val)

Gene: ALDH18A1 (aldehyde dehydrogenase 18 family member A1; minus strand). Cytogenetic location: 10q24.1.
Variant type: single nucleotide variant.
Coding change: c.619C>G on transcript NM_002860.4 (MANE Select); coding-DNA position 619, C replaced by G.
Protein change: p.Leu207Val; replaces leucine 207 with valine.
Molecular consequence: missense variant. On other transcripts: 5 prime UTR variant (1).
Genome position (GRCh38, 1-based): chr10:95,633,589, G>C on the plus strand (C>G on the coding strand, the complement: ALDH18A1 is on the minus strand). VCF-style: chr10-95633589-G-C. GRCh37 (hg19) VCF-style: chr10-97393346-G-C.
Other names: c.619C>G, p.Leu207Val (NM_001017423.2, NM_001323413.2, NM_001323414.2 and 1 more transcripts); c.286C>G, p.Leu96Val (NM_001323412.2, NM_001323416.2, NM_001323418.2); c.514C>G, p.Leu172Val (NM_001323417.2); c.-18C>G (NM_001323419.2); short protein forms L172V, L207V, L96V.
Identifiers: ClinVar variation 3751933 (VCV003751933.2).